The following is an entry in ClinVar:

ClinVar aggregate classification (germline): Uncertain significance. Review status: criteria provided, multiple submitters, no conflicts (2 of 4 stars). 2 submissions from 2 submitters: Uncertain significance (2). Last evaluated 2026-08-19.

Conditions:
Oculocerebrofacial syndrome, Kaufman type. Also called: Blepharophimosis-ptosis-intellectual disability syndrome. Identifiers: Orphanet 2707, MedGen C1855663, MONDO:0009485, OMIM 244450.
Inborn genetic diseases. Identifiers: MedGen C0950123, MeSH D030342.

Allele frequency attached by ClinVar (database versions not stated): ExAC 0.00004; TOPMed 0.00005; gnomAD 0.00006; gnomAD exomes 0.00012.
gnomAD v4.1: 177 of 1,611,192 alleles (0.011%); highest among the groups gnomAD compares: Non-Finnish European, 0.015%; no homozygotes.

Submissions (2):

Institute of Human Genetics, University of Leipzig Medical Center
Classification: Uncertain significance for Oculocerebrofacial syndrome, Kaufman type. Last evaluated: 2026-08-19. Review status: criteria provided, single submitter. Criteria: ACMG Guidelines, 2015. Collection method: clinical testing. Allele origin: unknown. Inheritance: Autosomal recessive inheritance. Affected: yes.
Comment: Criteria applied: PM2

Ambry Genetics
Classification: Uncertain significance for Inborn genetic diseases. Last evaluated: 2023-11-22. Review status: criteria provided, single submitter. Criteria: Ambry Variant Classification Scheme 2023. Collection method: clinical testing. Allele origin: germline.

NM_130466.4(UBE3B):c.1072C>T (p.His358Tyr)

Gene: UBE3B (ubiquitin protein ligase E3B; plus strand). Cytogenetic location: 12q24.11.
Variant type: single nucleotide variant.
Coding change: c.1072C>T on transcript NM_130466.4 (MANE Select); coding-DNA position 1072, C replaced by T.
Protein change: p.His358Tyr; replaces histidine 358 with tyrosine.
Molecular consequence: missense variant.
Genome position (GRCh38, 1-based): chr12:109,499,764, C>T. VCF-style: chr12-109499764-C-T. GRCh37 (hg19) VCF-style: chr12-109937569-C-T.
Other names: c.1072C>T, p.His358Tyr (NM_183415.3); short protein forms H358Y.
Identifiers: ClinVar variation 3185584 (VCV003185584.2), dbSNP rs768668323, ClinGen allele CA6777781.